The following is an entry in ClinVar:

ClinVar aggregate classification (germline): Uncertain significance (1 of 4 stars; one submission).

Conditions:
Combined immunodeficiency due to CTPS1 deficiency. Also called: Immunodeficiency 24; Severe combined immunodeficiency due to CTPS1 deficiency. Identifiers: Orphanet 420573, MedGen C4014617, MONDO:0014391, OMIM 615897.

Submission:

Labcorp Genetics (formerly Invitae), Labcorp
Classification: Uncertain significance for Combined immunodeficiency due to CTPS1 deficiency. Last evaluated: 2019-12-31. Review status: criteria provided, single submitter. Criteria: Invitae Variant Classification Sherloc (09022015). Collection method: clinical testing. Allele origin: germline.
Comment: This sequence change replaces tyrosine with cysteine at codon 96 of the CTPS1 protein (p.Tyr96Cys). The tyrosine residue is moderately conserved and there is a large physicochemical difference between tyrosine and cysteine. This variant is not present in population databases (ExAC no frequency). This variant has not been reported in the literature in individuals with CTPS1-related conditions. Algorithms developed to predict the effect of missense changes on protein structure and function are either unavailable or do not agree on the potential impact of this missense change (SIFT: "Tolerated"; PolyPhen-2: "Possibly Damaging"; Align-GVGD: "Class C0"). In summary, the available evidence is currently insufficient to determine the role of this variant in disease. Therefore, it has been classified as a Variant of Uncertain Significance.

NM_001905.4(CTPS1):c.287A>G (p.Tyr96Cys)

Gene: CTPS1 (CTP synthase 1; plus strand). Cytogenetic location: 1p34.2.
Variant type: single nucleotide variant.
Coding change: c.287A>G on transcript NM_001905.4 (MANE Select); coding-DNA position 287, A replaced by G.
Protein change: p.Tyr96Cys; replaces tyrosine 96 with cysteine.
Molecular consequence: missense variant. On other transcripts: non-coding transcript variant (1).
Genome position (GRCh38, 1-based): chr1:40,984,941, A>G. VCF-style: chr1-40984941-A-G. GRCh37 (hg19) VCF-style: chr1-41450613-A-G.
Other names: short protein forms Y96C.
Identifiers: ClinVar variation 850731 (VCV000850731.10), dbSNP rs1642413763, ClinGen allele CA339901657.